The following is an entry in ClinVar:

NM_001177693.2(ARHGEF28):c.4896C>T (p.Ser1632=)

Gene: ARHGEF28 (Rho guanine nucleotide exchange factor 28; plus strand). Cytogenetic location: 5q13.2.
Variant type: single nucleotide variant.
Coding change: c.4896C>T on transcript NM_001177693.2 (MANE Select); coding-DNA position 4896, C replaced by T.
Protein change: p.Ser1632=; no amino-acid change (serine 1632 retained).
Molecular consequence: synonymous variant.
Genome position (GRCh38, 1-based): chr5:73,911,523, C>T. VCF-style: chr5-73911523-C-T. GRCh37 (hg19) VCF-style: chr5-73207348-C-T.
Other names: c.4896C>T, p.Ser1632= (NM_001080479.3, NM_001388078.1); c.3957C>T, p.Ser1319= (NM_001244364.2); c.4602C>T, p.Ser1534= (NM_001388076.1).
Identifiers: ClinVar variation 3031366 (VCV003031366.2), dbSNP rs752793098, ClinGen allele CA3305445.
Genomic context (GRCh38, chr5:73,911,523, plus strand): 5'-CAAGGTGGACCCTTCTCAGCCTTCGAATGTCAGTCACAAACTGTGGACAGCCGCTGGTTC[C>T]GGCCATCAGATACTTCCTTTCCATGAAAGCAGCAAGGATTCTTGTAAAAATGGTAATTAA-3'
Protein context (NP_001171164.1, residues 1622-1642): VSHKLWTAAG[Ser1632=]GHQILPFHES

ClinVar aggregate classification (germline): Likely benign (0 of 4 stars; one submission).

Conditions:
ARHGEF28-related disorder. Also called: ARHGEF28-related condition.

Allele frequency attached by ClinVar (database versions not stated): TOPMed below 0.00001; gnomAD 0.00001; gnomAD exomes 0.00004; ExAC 0.00009.
gnomAD v4.1: 57 of 1,612,690 alleles (0.0035%); highest among the groups gnomAD compares: South Asian, 0.051%; no homozygotes.

Submission:

PreventionGenetics, part of Exact Sciences
Classification: Likely benign for ARHGEF28-related condition. Last evaluated: 2022-12-09. Review status: no assertion criteria provided. Collection method: clinical testing. Allele origin: germline.
Comment: This variant is classified as likely benign based on ACMG/AMP sequence variant interpretation guidelines (Richards et al. 2015 PMID: 25741868, with internal and published modifications).